The following is an entry in ClinVar:

ClinVar aggregate classification (germline): Uncertain significance. Review status: criteria provided, multiple submitters, no conflicts (2 of 4 stars). 2 submissions from 2 submitters: Uncertain significance (2). Last evaluated 2025-02-25.

Conditions:
Inborn genetic diseases. Identifiers: MedGen C0950123, MeSH D030342.

Allele frequency attached by ClinVar (database versions not stated): gnomAD exomes below 0.00001; TOPMed below 0.00001; ExAC 0.00001; gnomAD 0.00001.
gnomAD v4.1: 3 of 1,611,740 alleles (0.00019%); highest among the groups gnomAD compares: Non-Finnish European, 0.00025%; no homozygotes.

Submissions (2):

Ambry Genetics
Classification: Uncertain significance for Inborn genetic diseases. Last evaluated: 2025-02-25. Review status: criteria provided, single submitter. Criteria: Ambry Variant Classification Scheme 2023. Collection method: clinical testing. Allele origin: germline.

GeneDx
Classification: Uncertain significance. Last evaluated: 2023-02-24. Review status: criteria provided, single submitter. Criteria: GeneDx Variant Classification Process June 2021. Collection method: clinical testing. Allele origin: germline. Affected: yes.
Comment: Not observed at significant frequency in large population cohorts (gnomAD); In silico analysis supports that this missense variant has a deleterious effect on protein structure/function; Has not been previously published as pathogenic or benign to our knowledge

NM_001378609.3(OTOGL):c.5846G>A (p.Cys1949Tyr)

Gene: OTOGL (otogelin like; plus strand). Cytogenetic location: 12q21.31.
Variant type: single nucleotide variant.
Coding change: c.5846G>A on transcript NM_001378609.3 (MANE Select); coding-DNA position 5846, G replaced by A.
Protein change: p.Cys1949Tyr; replaces cysteine 1949 with tyrosine.
Molecular consequence: missense variant.
Genome position (GRCh38, 1-based): chr12:80,356,455, G>A. VCF-style: chr12-80356455-G-A. GRCh37 (hg19) VCF-style: chr12-80750235-G-A.
Other names: c.5711G>A, p.Cys1904Tyr (NM_001368062.3); c.5846G>A, p.Cys1949Tyr (NM_001378610.3, NM_173591.7); short protein forms C1949Y, C1904Y.
Identifiers: ClinVar variation 2269267 (VCV002269267.4), dbSNP rs759103536, ClinGen allele CA6701834.
Genomic context (GRCh38, chr12:80,356,455, plus strand): 5'-AACAGTTTTTCTTATTTATAGGATGTGACACGACTTTGTGTGAAACTAGCATTCCAACAT[G>A]TACAAATAGTCAAAAATTGATTGTTGGCCACAGTCCTCTTTCTTGCTGTCCACAGTACAA-3'
Protein context (NP_001365538.2, residues 1939-1959): TTLCETSIPT[Cys1949Tyr]TNSQKLIVGH